The following is an entry in ClinVar:

ClinVar aggregate classification (germline): Uncertain significance. Review status: criteria provided, multiple submitters, no conflicts (2 of 4 stars). 2 submissions from 2 submitters: Uncertain significance (2). Last evaluated 2025-06-10.

Conditions:
Cardiovascular phenotype. Identifiers: MedGen CN230736.
Primary dilated cardiomyopathy (DCM). Also called: Dilated Cardiomyopathy. Identifiers: Orphanet 217604, MedGen C0007193, MeSH D002311, MONDO:0005021, HP:0001644. Inheritance: Various modes of inheritance.

Allele frequency attached by ClinVar (database versions not stated): gnomAD 0.00001; TOPMed 0.00001.
gnomAD v4.1: 20 of 1,614,126 alleles (0.0012%); highest among the groups gnomAD compares: Non-Finnish European, 0.0015%; no homozygotes.

Submissions (2):

Ambry Genetics
Classification: Uncertain significance for Cardiovascular phenotype. Last evaluated: 2025-06-10. Review status: criteria provided, single submitter. Criteria: Ambry Variant Classification Scheme 2023. Collection method: clinical testing. Allele origin: germline.

Labcorp Genetics (formerly Invitae), Labcorp
Classification: Uncertain significance for Primary dilated cardiomyopathy. Last evaluated: 2024-07-19. Review status: criteria provided, single submitter. Criteria: Invitae Variant Classification Sherloc (09022015). Collection method: clinical testing. Allele origin: germline.
Comment: This sequence change replaces valine, which is neutral and non-polar, with isoleucine, which is neutral and non-polar, at codon 170 of the TXNRD2 protein (p.Val170Ile). This variant is not present in population databases (gnomAD no frequency). This variant has not been reported in the literature in individuals affected with TXNRD2-related conditions. ClinVar contains an entry for this variant (Variation ID: 1378751). An algorithm developed to predict the effect of missense changes on protein structure and function (PolyPhen-2) suggests that this variant is likely to be tolerated. In summary, the available evidence is currently insufficient to determine the role of this variant in disease. Therefore, it has been classified as a Variant of Uncertain Significance.

NM_006440.5(TXNRD2):c.508G>A (p.Val170Ile)

Gene: TXNRD2 (thioredoxin reductase 2; minus strand). Cytogenetic location: 22q11.21.
Variant type: single nucleotide variant.
Coding change: c.508G>A on transcript NM_006440.5 (MANE Select); coding-DNA position 508, G replaced by A.
Protein change: p.Val170Ile; replaces valine 170 with isoleucine.
Molecular consequence: missense variant. On other transcripts: non-coding transcript variant (1).
Genome position (GRCh38, 1-based): chr22:19,915,785, C>T on the plus strand (G>A on the coding strand, the complement: TXNRD2 is on the minus strand). VCF-style: chr22-19915785-C-T. GRCh37 (hg19) VCF-style: chr22-19903308-C-T.
Other names: c.508G>A, p.Val170Ile (NM_001282512.3); c.505G>A, p.Val169Ile (NM_001352300.2); c.418G>A, p.Val140Ile (NM_001352301.2); c.220G>A, p.Val74Ile (NM_001352302.2); c.412G>A, p.Val138Ile (NM_001352303.2); short protein forms V74I, V140I, V169I, V170I, V138I.
Identifiers: ClinVar variation 1378751 (VCV001378751.9), dbSNP rs574389555, ClinGen allele CA10104174.